The following is an entry in ClinVar:

NM_024422.6(DSC2):c.2624G>A (p.Arg875Gln)

Gene: DSC2 (desmocollin 2; minus strand). Cytogenetic location: 18q12.1.
Variant type: single nucleotide variant.
Coding change: c.2624G>A on transcript NM_024422.6 (MANE Select); coding-DNA position 2624, G replaced by A.
Protein change: p.Arg875Gln; replaces arginine 875 with glutamine.
Molecular consequence: missense variant. On other transcripts: 3 prime UTR variant (1).
Genome position (GRCh38, 1-based): chr18:31,068,097, C>T on the plus strand (G>A on the coding strand, the complement: DSC2 is on the minus strand). VCF-style: chr18-31068097-C-T. GRCh37 (hg19) VCF-style: chr18-28648063-C-T.
Other names: c.*126G>A (NM_004949.5); short protein forms R875Q.
Identifiers: ClinVar variation 633190 (VCV000633190.18), dbSNP rs535014010, ClinGen allele CA030769.

ClinVar aggregate classification (germline): Conflicting classifications of pathogenicity. Review status: criteria provided, conflicting classifications (1 of 4 stars). 5 submissions from 5 submitters: Uncertain significance (3); Likely benign (2). Last evaluated 2025-12-03.

Conditions:
Cardiomyopathy (CMYO). Also called: Cardiomyopathies. Identifiers: Orphanet 167848, MedGen C0878544, MONDO:0004994, HP:0001638. Inheritance: Various modes of inheritance.
Arrhythmogenic right ventricular dysplasia 11. Also called: Arrhythmogenic right ventricular dysplasia 11 with mild palmoplantar keratoderma and woolly hair; Arrhythmogenic Right Ventricular Dysplasia/Cardiomyopathy11; ARRHYTHMOGENIC RIGHT VENTRICULAR DYSPLASIA, FAMILIAL, 11. Identifiers: MedGen C1864850, MONDO:0012506, OMIM 610476.
Cardiovascular phenotype. Identifiers: MedGen CN230736.

Allele frequency attached by ClinVar (database versions not stated): TOPMed 0.00002; 1000 Genomes Project 0.00080; ExAC 0.00003; gnomAD exomes 0.00002; gnomAD 0.00003 and 0.00005; 1000 Genomes Project 30x 0.00062.
gnomAD v4.1: 36 of 1,614,046 alleles (0.0022%); highest among the groups gnomAD compares: South Asian, 0.016%; no homozygotes.

Submissions (5):

Labcorp Genetics (formerly Invitae), Labcorp
Classification: Uncertain significance for Arrhythmogenic right ventricular dysplasia 11. Last evaluated: 2025-12-03. Review status: criteria provided, single submitter. Criteria: Invitae Variant Classification Sherloc (09022015). Collection method: clinical testing. Allele origin: germline.
Comment: This sequence change replaces arginine, which is basic and polar, with glutamine, which is neutral and polar, at codon 875 of the DSC2 protein (p.Arg875Gln). This variant is present in population databases (rs535014010, gnomAD 0.02%). This variant has not been reported in the literature in individuals affected with DSC2-related conditions. ClinVar contains an entry for this variant (Variation ID: 633190). An algorithm developed to predict the effect of missense changes on protein structure and function outputs the following: PolyPhen-2: "Benign". The glutamine amino acid residue is found in multiple mammalian species, which suggests that this missense change does not adversely affect protein function. In summary, the available evidence is currently insufficient to determine the role of this variant in disease. Therefore, it has been classified as a Variant of Uncertain Significance.

Color Diagnostics, LLC DBA Color Health
Classification: Uncertain significance for Cardiomyopathy. Last evaluated: 2024-08-27. Review status: criteria provided, single submitter. Criteria: ACMG Guidelines, 2015. Collection method: clinical testing. Allele origin: germline.
Comment: This missense variant replaces arginine with glutamine at codon 875 of the DSC2 protein. Computational prediction suggests that this variant may not impact protein structure and function. To our knowledge, functional studies have not been reported for this variant. This variant has not been reported in individuals affected with DSC2-related disorders in the literature. This variant has been identified in 5/251270 chromosomes in the general population by the Genome Aggregation Database (gnomAD). The available evidence is insufficient to determine the role of this variant in disease conclusively. Therefore, this variant is classified as a Variant of Uncertain Significance.

Ambry Genetics
Classification: Likely benign for Cardiovascular phenotype. Last evaluated: 2021-08-26. Review status: criteria provided, single submitter. Criteria: Ambry Variant Classification Scheme 2023. Collection method: clinical testing. Allele origin: germline.

Mayo Clinic Laboratories, Mayo Clinic
Classification: Uncertain significance. Last evaluated: 2019-09-23. Review status: criteria provided, single submitter. Criteria: ACMG Guidelines, 2015. Collection method: clinical testing. Allele origin: germline. Observed: 1 variant allele.

Women's Health and Genetics/Laboratory Corporation of America, LabCorp
Classification: Likely benign. Last evaluated: 2018-03-06. Review status: criteria provided, single submitter. Criteria: LabCorp Variant Classification Summary - May 2015. Collection method: clinical testing. Allele origin: germline.
Comment: Variant summary: DSC2 c.2624G>A (p.Arg875Gln) results in a conservative amino acid change located in the Cadherin, cytoplasmic domain of the encoded protein sequence. Five of five in-silico tools predict a benign effect of the variant on protein function. However, these predictions have yet to be functionally assessed. The variant, c.2624G>A, was observed with an allele frequency of 2.8e-05 in 246040 control chromosomes (gnomAD). The observed variant frequency within the South Asian control individuals in the gnomAD database is approximately 6.4 fold of the estimated maximal expected allele frequency for a pathogenic variant in DSC2 causing Cardiomyopathy phenotype (2.5e-05), strongly suggesting that the variant is a benign polymorphism found primarily in population(s) of South Asian origin. To our knowledge, no occurrence of c.2624G>A in individuals affected with Cardiomyopathy and no experimental evidence demonstrating its impact on protein function have been reported. No clinical diagnostic laboratories have submitted clinical-significance assessments for this variant to ClinVar after 2014. Based on the evidence outlined above, the variant was classified as likely benign.